The following is an entry in ClinVar:

NC_000003.12:g.128481319del

Gene: GATA2 (GATA binding protein 2; minus strand). Cytogenetic location: 3q21.3.
Variant type: Deletion.
Genome position: GRCh38 VCF-style: chr3-128481317-AC-A. GRCh37 (hg19) VCF-style: chr3-128200160-AC-A.
Identifiers: ClinVar variation 3754430 (VCV003754430.2).

ClinVar aggregate classification (germline): Pathogenic (1 of 4 stars; one submission).

Conditions:
Deafness-lymphedema-leukemia syndrome. Also called: Lymphedema, primary, with myelodysplasia; Emberger syndrome. Identifiers: Orphanet 3226, MedGen C3279664, MONDO:0013540, OMIM 614038.
Monocytopenia with susceptibility to infections. Also called: MONOCYTOPENIA AND MYCOBACTERIAL INFECTION SYNDROME; MONOCYTOPENIA WITH SUSCEPTIBILITY TO MYCOBACTERIAL, FUNGAL, AND PAPILLOMAVIRUS INFECTIONS AND MYELODYSPLASIA; COMBINED IMMUNODEFICIENCY WITH SUSCEPTIBILITY TO MYCOBACTERIAL, VIRAL, AND FUNGAL INFECTIONS; Dendritic cell, monocyte, B lymphocyte, and natural killer lymphocyte deficiency; IMMUNODEFICIENCY 21; GATA2 DEFICIENCY. Identifiers: Orphanet 228423, MedGen C3280030, MONDO:0013607, OMIM 614172.

Submission:

Labcorp Genetics (formerly Invitae), Labcorp
Classification: Pathogenic for Monocytopenia with susceptibility to infections; Deafness-lymphedema-leukemia syndrome. Last evaluated: 2024-03-15. Review status: criteria provided, single submitter. Criteria: Invitae Variant Classification Sherloc (09022015). Collection method: clinical testing. Allele origin: germline.
Comment: This sequence change creates a premature translational stop signal (p.Val382Leufs*5) in the GATA2 gene. While this is not anticipated to result in nonsense mediated decay, it is expected to disrupt the last 99 amino acid(s) of the GATA2 protein. This variant is not present in population databases (gnomAD no frequency). This variant has not been reported in the literature in individuals affected with GATA2-related conditions. Algorithms developed to predict the effect of sequence changes on RNA splicing suggest that this variant may disrupt the consensus splice site. This variant disrupts a region of the GATA2 protein in which other variant(s) (p.Arg398Trp) have been determined to be pathogenic (PMID: 21670465, 21765025). This suggests that this is a clinically significant region of the protein, and that variants that disrupt it are likely to be disease-causing. For these reasons, this variant has been classified as Pathogenic.

Literature cited by the submitters: PubMed 21670465; PubMed 21765025.